The following is an entry in ClinVar:

NM_013382.7(POMT2):c.2242T>C (p.Trp748Arg)

Gene: POMT2 (protein O-mannosyltransferase 2; minus strand). Cytogenetic location: 14q24.3.
Variant type: single nucleotide variant.
Coding change: c.2242T>C on transcript NM_013382.7 (MANE Select); coding-DNA position 2242, T replaced by C.
Protein change: p.Trp748Arg; replaces tryptophan 748 with arginine.
Molecular consequence: missense variant.
Genome position (GRCh38, 1-based): chr14:77,277,387, A>G on the plus strand (T>C on the coding strand, the complement: POMT2 is on the minus strand). VCF-style: chr14-77277387-A-G. GRCh37 (hg19) VCF-style: chr14-77743730-A-G.
Other names: short protein forms W748R.
Identifiers: ClinVar variation 3224 (VCV000003224.13), dbSNP rs267606964, ClinGen allele CA116100.
Genomic context (GRCh38, chr14:77,277,387, plus strand): 5'-GGCTCTCCTGGGAAGTTCCTGGACCCAGGCTGGAATCTTTGCAGTGGCCTCAAAAGTCCC[A>G]TGAGTCCAGCCACCTTAGTCCTGCCATTGGACTTTGGGGGTCCTGGGCCAGGGGACCAAC-3'
Protein context (NP_037514.2, residues 738-750): PMAGLRWLDS[Trp748Arg]DF

ClinVar aggregate classification (germline): Likely pathogenic. Review status: criteria provided, multiple submitters, no conflicts (2 of 4 stars). 3 submissions from 3 submitters: Likely pathogenic (2). 1 of the submissions does not count toward it. Last evaluated 2024-02-06.

Conditions:
Muscular dystrophy-dystroglycanopathy (congenital with impaired intellectual development), type B, 2. Also called: MUSCULAR DYSTROPHY, CONGENITAL, POMT2-RELATED; Muscular dystrophy-dystroglycanopathy (congenital with intellectual disability), type B2. Identifiers: MedGen C3150416, MONDO:0013160, OMIM 613156.
Muscular dystrophy-dystroglycanopathy (congenital with brain and eye anomalies), type A2. Also called: WALKER-WARBURG SYNDROME OR MUSCLE-EYE-BRAIN DISEASE, POMT2-RELATED; MUSCULAR DYSTROPHY-DYSTROGLYCANOPATHY (CONGENITAL WITH BRAIN AND EYE ANOMALIES), TYPE A, 2. Identifiers: Orphanet 588, Orphanet 899, MedGen C3150411, MONDO:0013154, OMIM 613150.
Autosomal recessive limb-girdle muscular dystrophy type 2N. Also called: Muscular dystrophy-dystroglycanopathy (limb-girdle), type C, 2; MUSCULAR DYSTROPHY-DYSTROGLYCANOPATHY, LIMB-GIRDLE, POMT2-RELATED. Identifiers: Orphanet 206559, MedGen C3150418, MONDO:0013162, OMIM 613158.

Submissions (3):

Fulgent Genetics
Classification: Likely pathogenic for Muscular dystrophy-dystroglycanopathy (congenital with brain and eye anomalies), type A2; Muscular dystrophy-dystroglycanopathy (congenital with impaired intellectual development), type B, 2; Autosomal recessive limb-girdle muscular dystrophy type 2N. Last evaluated: 2024-02-06. Review status: criteria provided, single submitter. Criteria: ACMG Guidelines, 2015. Collection method: clinical testing. Allele origin: germline.

Labcorp Genetics (formerly Invitae), Labcorp
Classification: Likely pathogenic for Muscular dystrophy-dystroglycanopathy (congenital with impaired intellectual development), type B, 2; Muscular dystrophy-dystroglycanopathy (congenital with brain and eye anomalies), type A2; Autosomal recessive limb-girdle muscular dystrophy type 2N. Last evaluated: 2022-09-26. Review status: criteria provided, single submitter. Criteria: Invitae Variant Classification Sherloc (09022015). Collection method: clinical testing. Allele origin: germline.
Comment: This sequence change replaces tryptophan, which is neutral and slightly polar, with arginine, which is basic and polar, at codon 748 of the POMT2 protein (p.Trp748Arg). This variant is not present in population databases (gnomAD no frequency). This missense change has been observed in individual(s) with POMT2-related conditions (PMID: 17634419). In at least one individual the data is consistent with being in trans (on the opposite chromosome) from a pathogenic variant. ClinVar contains an entry for this variant (Variation ID: 3224). Advanced modeling of protein sequence and biophysical properties (such as structural, functional, and spatial information, amino acid conservation, physicochemical variation, residue mobility, and thermodynamic stability) performed at Invitae indicates that this missense variant is expected to disrupt POMT2 protein function. Experimental studies have shown that this missense change affects POMT2 function (PMID: 17869517). This variant disrupts the p.Trp748 amino acid residue in POMT2. Other variant(s) that disrupt this residue have been observed in individuals with POMT2-related conditions (PMID: 17878207), which suggests that this may be a clinically significant amino acid residue. In summary, the currently available evidence indicates that the variant is pathogenic, but additional data are needed to prove that conclusively. Therefore, this variant has been classified as Likely Pathogenic.

OMIM
Classification: Pathogenic for MUSCULAR DYSTROPHY-DYSTROGLYCANOPATHY (CONGENITAL WITH IMPAIRED INTELLECTUAL DEVELOPMENT), TYPE B, 2. Last evaluated: 2007-09-18. Review status: no assertion criteria provided. Collection method: literature only. Allele origin: germline. Not counted in ClinVar's aggregate classification.

Literature cited by the submitters: PubMed 17634419 (cited by Labcorp Genetics (formerly Invitae), Labcorp and OMIM); PubMed 17869517 (cited by Labcorp Genetics (formerly Invitae), Labcorp); PubMed 17878207 (cited by Labcorp Genetics (formerly Invitae), Labcorp).